The following is an entry in ClinVar:

NM_000038.6(APC):c.2173G>C (p.Ala725Pro)

Gene: APC (APC regulator of Wnt signaling pathway; plus strand). Cytogenetic location: 5q22.2.
Variant type: single nucleotide variant.
Coding change: c.2173G>C on transcript NM_000038.6 (MANE Select); coding-DNA position 2173, G replaced by C.
Protein change: p.Ala725Pro; replaces alanine 725 with proline.
Molecular consequence: missense variant. On other transcripts: non-coding transcript variant (2).
Genome position (GRCh38, 1-based): chr5:112,837,767, G>C. VCF-style: chr5-112837767-G-C. GRCh37 (hg19) VCF-style: chr5-112173464-G-C.
Other names: c.2173G>C, p.Ala725Pro (NM_001127510.3, NM_001354895.2, NM_001407450.1); c.2119G>C, p.Ala707Pro (NM_001127511.3); c.2227G>C, p.Ala743Pro (NM_001354896.2, NM_001407447.1, NM_001407448.1 and 1 more transcripts); c.2203G>C, p.Ala735Pro (NM_001354897.2); c.2098G>C, p.Ala700Pro (NM_001354898.2); c.2089G>C, p.Ala697Pro (NM_001354899.2); c.2050G>C, p.Ala684Pro (NM_001354900.2); c.1996G>C, p.Ala666Pro (NM_001354901.2, NM_001407453.1); and 11 more; short protein forms A341P, A442P, A565P, A596P, A599P, A624P, A634P, A642P.
Identifiers: ClinVar variation 2677309 (VCV002677309.3), dbSNP rs2149862364, ClinGen allele CA16026090.

ClinVar aggregate classification (germline): Uncertain significance. Review status: criteria provided, multiple submitters, no conflicts (2 of 4 stars). 2 submissions from 2 submitters: Uncertain significance (2). Last evaluated 2024-04-09.

Conditions:
Familial adenomatous polyposis 1 (FAP1). Also called: FAMILIAL ADENOMATOUS POLYPOSIS 1, ATTENUATED; POLYPOSIS, ADENOMATOUS INTESTINAL. Identifiers: MedGen C2713442, MONDO:0021056, OMIM 175100. Disease mechanism: loss of function.

Submissions (2):

Labcorp Genetics (formerly Invitae), Labcorp
Classification: Uncertain significance for Familial adenomatous polyposis 1. Last evaluated: 2024-04-09. Review status: criteria provided, single submitter. Criteria: Invitae Variant Classification Sherloc (09022015). Collection method: clinical testing. Allele origin: germline.
Comment: This sequence change replaces alanine, which is neutral and non-polar, with proline, which is neutral and non-polar, at codon 725 of the APC protein (p.Ala725Pro). This variant is not present in population databases (gnomAD no frequency). This variant has not been reported in the literature in individuals affected with APC-related conditions. Advanced modeling of protein sequence and biophysical properties (such as structural, functional, and spatial information, amino acid conservation, physicochemical variation, residue mobility, and thermodynamic stability) performed at Invitae indicates that this missense variant is not expected to disrupt APC protein function with a negative predictive value of 95%. In summary, the available evidence is currently insufficient to determine the role of this variant in disease. Therefore, it has been classified as a Variant of Uncertain Significance.

Baylor Genetics
Classification: Uncertain significance for Familial adenomatous polyposis 1. Last evaluated: 2023-09-07. Review status: criteria provided, single submitter. Criteria: ACMG Guidelines, 2015. Collection method: clinical testing. Allele origin: unknown.